The following is an entry in ClinVar:

ClinVar aggregate classification (germline): Likely benign (1 of 4 stars; one submission).

gnomAD v4.1: 4,106 of 1,614,178 alleles (0.25%); highest among the groups gnomAD compares: Non-Finnish European, 0.16%; 44 homozygotes.

Submission:

CeGaT Center for Human Genetics Tuebingen
Classification: Likely benign. Last evaluated: 2025-03-01. Review status: criteria provided, single submitter. Criteria: CeGaT Center For Human Genetics Tuebingen Variant Classification Criteria Version 2. Collection method: clinical testing. Allele origin: germline. Affected: yes. Observed: 1 variant allele.
Comment: PIGZ: BP4, BS2

NM_025163.4(PIGZ):c.1531G>A (p.Ala511Thr)

Gene: PIGZ (phosphatidylinositol glycan anchor biosynthesis class Z (Gwada blood group); minus strand). Cytogenetic location: 3q29.
Variant type: single nucleotide variant.
Coding change: c.1531G>A on transcript NM_025163.4 (MANE Select); coding-DNA position 1531, G replaced by A.
Protein change: p.Ala511Thr; replaces alanine 511 with threonine.
Molecular consequence: missense variant.
Genome position (GRCh38, 1-based): chr3:196,947,366, C>T on the plus strand (G>A on the coding strand, the complement: PIGZ is on the minus strand). VCF-style: chr3-196947366-C-T. GRCh37 (hg19) VCF-style: chr3-196674237-C-T.
Other names: short protein forms A511T.
Identifiers: ClinVar variation 3777849 (VCV003777849.7).
Genomic context (GRCh38, chr3:196,947,366, plus strand): 5'-CGGCACGCCTGGTGGTGCCAGGGGTTACCACAAAGAGGCGGCAGAGCCATGGCCCACCAG[C>T]CACTTGGCAGGCTGGTTGTCTGGTGAAGCTTTTCAGGGTTTGGCACAGGGCCCAGTCCTC-3'
Protein context (NP_079439.2, residues 501-521): SFTRQPACQV[Ala511Thr]GGPWLCRLFV